The following is an entry in ClinVar:

ClinVar aggregate classification (germline): Conflicting classifications of pathogenicity. Review status: criteria provided, conflicting classifications (1 of 4 stars). 2 submissions from 2 submitters: Uncertain significance (1); Likely benign (1). Last evaluated 2023-10-01.

Conditions:
Retinal dystrophy. Also called: Inherited retinal dystrophy. Identifiers: Orphanet 71862, MedGen C0854723, MeSH D058499, MONDO:0019118, HP:0000556.

Allele frequency attached by ClinVar (database versions not stated): gnomAD exomes 0.00001.
gnomAD v4.1: 8 of 1,613,216 alleles (0.0005%); highest among the groups gnomAD compares: Non-Finnish European, 0.00068%; no homozygotes.

Submissions (2):

Dept Of Ophthalmology, Nagoya University
Classification: Likely benign for Retinal dystrophy. Last evaluated: 2023-10-01. Review status: criteria provided, single submitter. Criteria: Submitter's publication. Collection method: research. Allele origin: germline. Affected: yes.

Labcorp Genetics (formerly Invitae), Labcorp
Classification: Uncertain significance. Last evaluated: 2022-01-16. Review status: criteria provided, single submitter. Criteria: Invitae Variant Classification Sherloc (09022015). Collection method: clinical testing. Allele origin: germline.
Comment: This sequence change replaces proline, which is neutral and non-polar, with serine, which is neutral and polar, at codon 107 of the RHO protein (p.Pro107Ser). This variant is not present in population databases (gnomAD no frequency). This variant has not been reported in the literature in individuals affected with RHO-related conditions. Advanced modeling of protein sequence and biophysical properties (such as structural, functional, and spatial information, amino acid conservation, physicochemical variation, residue mobility, and thermodynamic stability) performed at Invitae indicates that this missense variant is not expected to disrupt RHO protein function. In summary, the available evidence is currently insufficient to determine the role of this variant in disease. Therefore, it has been classified as a Variant of Uncertain Significance.

NM_000539.3(RHO):c.319C>T (p.Pro107Ser)

Gene: RHO (rhodopsin; plus strand). Cytogenetic location: 3q22.1.
Variant type: single nucleotide variant.
Coding change: c.319C>T on transcript NM_000539.3 (MANE Select); coding-DNA position 319, C replaced by T.
Protein change: p.Pro107Ser; replaces proline 107 with serine.
Molecular consequence: missense variant.
Genome position (GRCh38, 1-based): chr3:129,529,052, C>T. VCF-style: chr3-129529052-C-T. GRCh37 (hg19) VCF-style: chr3-129247895-C-T.
Other names: short protein forms P107S.
Identifiers: ClinVar variation 2194013 (VCV002194013.5), dbSNP rs1442262560, ClinGen allele CA354496873.
Genomic context (GRCh38, chr3:129,529,052, plus strand): 5'-GTCCTAGGTGGCTTCACCAGCACCCTCTACACCTCTCTGCATGGATACTTCGTCTTCGGG[C>T]CCACAGGATGCAATTTGGAGGGCTTCTTTGCCACCCTGGGCGGTATGAGCCGGGTGTGGG-3'
Protein context (NP_000530.1, residues 97-117): TSLHGYFVFG[Pro107Ser]TGCNLEGFFA